The following is an entry in ClinVar:

ClinVar aggregate classification (germline): Uncertain significance (1 of 4 stars; one submission).

Conditions:
Blepharophimosis-impaired intellectual development syndrome. Identifiers: Orphanet 637013, MedGen C5443984, MONDO:0859139, OMIM 619293.
Nicolaides-Baraitser syndrome (NCBRS). Also called: Intellectual disability-sparse hair-brachydactyly syndrome; SMARCA2-Related Nicolaides-Baraitser Syndrome. Identifiers: Orphanet 3051, MedGen C1303073, MONDO:0011053, OMIM 601358.

Submission:

Institute of Human Genetics, University of Goettingen
Classification: Uncertain significance for Nicolaides-Baraitser syndrome; Blepharophimosis-impaired intellectual development syndrome. Last evaluated: 2025-05-20. Review status: criteria provided, single submitter. Criteria: ACMG Guidelines, 2015. Collection method: clinical testing. Allele origin: unknown. Inheritance: Autosomal dominant inheritance. Affected: yes. Observed: 1 heterozygote.
Comment: The variant c.3284G>A (p.(Arg1095His)) in exon 23 of the SMARCA2-gene is not found in the gnomAD database, it affects a highly conserved nucleotide, and a highly conserved amino acid and there is a small physicochemical difference between Arg and His. This variant has a pathogenic computational verdict based on in silico prediction algorithms (REVEL Score: 0,972). Missense variants are a known mechanism of disease based on Z-score. ACMG criteria used for classification: PM2_sup, PP2, PP3_mod

NM_003070.5(SMARCA2):c.3284G>A (p.Arg1095His)

Gene: SMARCA2 (SWI/SNF related BAF chromatin remodeling complex subunit ATPase 2; plus strand). Cytogenetic location: 9p24.3.
Variant type: single nucleotide variant.
Coding change: c.3284G>A on transcript NM_003070.5 (MANE Select); coding-DNA position 3284, G replaced by A.
Protein change: p.Arg1095His; replaces arginine 1095 with histidine.
Molecular consequence: missense variant.
Genome position (GRCh38, 1-based): chr9:2,104,161, G>A. VCF-style: chr9-2104161-G-A. GRCh37 (hg19) VCF-style: chr9-2104161-G-A.
Other names: c.3284G>A, p.Arg1095His (NM_001289396.2, NM_139045.4); c.3110G>A, p.Arg1037His (NM_001289397.2); short protein forms R1037H, R1095H.
Identifiers: ClinVar variation 4082095 (VCV004082095.1).